The following is an entry in ClinVar:

ClinVar aggregate classification (germline): Uncertain significance (1 of 4 stars; one submission).

Allele frequency attached by ClinVar (database versions not stated): gnomAD exomes below 0.00001; ExAC 0.00001; gnomAD 0.00001; TOPMed 0.00002.
gnomAD v4.1: 6 of 1,613,808 alleles (0.00037%); highest among the groups gnomAD compares: African/African-American, 0.0013%; no homozygotes.

Submission:

Labcorp Genetics (formerly Invitae), Labcorp
Classification: Uncertain significance. Last evaluated: 2022-02-28. Review status: criteria provided, single submitter. Criteria: Invitae Variant Classification Sherloc (09022015). Collection method: clinical testing. Allele origin: germline.
Comment: In summary, the available evidence is currently insufficient to determine the role of this variant in disease. Therefore, it has been classified as a Variant of Uncertain Significance. Algorithms developed to predict the effect of missense changes on protein structure and function are either unavailable or do not agree on the potential impact of this missense change (SIFT: "Deleterious"; PolyPhen-2: "Probably Damaging"; Align-GVGD: "Class C0"). This variant has not been reported in the literature in individuals affected with FCHO1-related conditions. This variant is present in population databases (rs747047223, gnomAD 0.004%). This sequence change replaces arginine, which is basic and polar, with tryptophan, which is neutral and slightly polar, at codon 328 of the FCHO1 protein (p.Arg328Trp).

NM_015122.3(FCHO1):c.982C>T (p.Arg328Trp)

Gene: FCHO1 (FCH and mu domain containing endocytic adaptor 1; plus strand). Cytogenetic location: 19p13.11.
Variant type: single nucleotide variant.
Coding change: c.982C>T on transcript NM_015122.3 (MANE Select); coding-DNA position 982, C replaced by T.
Protein change: p.Arg328Trp; replaces arginine 328 with tryptophan.
Molecular consequence: missense variant. On other transcripts: non-coding transcript variant (36).
Genome position (GRCh38, 1-based): chr19:17,775,492, C>T. VCF-style: chr19-17775492-C-T. GRCh37 (hg19) VCF-style: chr19-17886301-C-T.
Other names: c.982C>T, p.Arg328Trp (NM_001161357.2, NM_001161358.2, NM_001384370.1 and 25 more transcripts); c.832C>T, p.Arg278Trp (NM_001161359.2, NM_001384384.1, NM_001384385.1 and 3 more transcripts); c.943C>T, p.Arg315Trp (NM_001384388.1, NM_001384389.1, NM_001384405.1); c.907C>T, p.Arg303Trp (NM_001384390.1); c.937C>T, p.Arg313Trp (NM_001384403.1); short protein forms R278W, R303W, R313W, R315W, R328W.
Identifiers: ClinVar variation 1951234 (VCV001951234.3), dbSNP rs747047223, ClinGen allele CA9300337.